The following is an entry in ClinVar:

ClinVar aggregate classification (germline): Uncertain significance (1 of 4 stars; one submission).

Submission:

GeneDx
Classification: Uncertain significance. Last evaluated: 2024-11-06. Review status: criteria provided, single submitter. Criteria: GeneDx Variant Classification Process June 2021. Collection method: clinical testing. Allele origin: germline. Affected: yes.
Comment: Not observed at significant frequency in large population cohorts (gnomAD); In silico analysis indicates that this missense variant does not alter protein structure/function; Has not been previously published as pathogenic or benign to our knowledge

NM_001367721.1(CASK):c.571G>A (p.Val191Ile)

Gene: CASK (calcium/calmodulin dependent serine protein kinase; minus strand). Cytogenetic location: Xp11.4.
Variant type: single nucleotide variant.
Coding change: c.571G>A on transcript NM_001367721.1 (MANE Select); coding-DNA position 571, G replaced by A.
Protein change: p.Val191Ile; replaces valine 191 with isoleucine.
Molecular consequence: missense variant.
Genome position (GRCh38, 1-based): chrX:41,665,414, C>T on the plus strand (G>A on the coding strand, the complement: CASK is on the minus strand). VCF-style: chrX-41665414-C-T. GRCh37 (hg19) VCF-style: chrX-41524667-C-T.
Other names: c.571G>A, p.Val191Ile (NM_001126054.3, NM_001126055.3, NM_001410745.1 and 1 more transcripts); short protein forms V191I.
Identifiers: ClinVar variation 3899077 (VCV003899077.1).